The following is an entry in ClinVar:

NM_002485.5(NBN):c.2078A>C (p.Tyr693Ser)

Gene: NBN (nibrin; minus strand). Cytogenetic location: 8q21.3.
Variant type: single nucleotide variant.
Coding change: c.2078A>C on transcript NM_002485.5 (MANE Select); coding-DNA position 2078, A replaced by C.
Protein change: p.Tyr693Ser; replaces tyrosine 693 with serine.
Molecular consequence: missense variant.
Genome position (GRCh38, 1-based): chr8:89,943,359, T>G on the plus strand (A>C on the coding strand, the complement: NBN is on the minus strand). VCF-style: chr8-89943359-T-G. GRCh37 (hg19) VCF-style: chr8-90955587-T-G.
Other names: c.1832A>C, p.Tyr611Ser (NM_001024688.3, NM_001440379.1, NM_001440380.1); short protein forms Y611S, Y693S.
Identifiers: ClinVar variation 4532601 (VCV004532601.1).

ClinVar aggregate classification (germline): Uncertain significance (1 of 4 stars; one submission).

Submission:

GeneDx
Classification: Uncertain significance. Last evaluated: 2025-05-29. Review status: criteria provided, single submitter. Criteria: GeneDx Variant Classification Process June 2021. Collection method: clinical testing. Allele origin: germline. Affected: yes.
Comment: Not observed at significant frequency in large population cohorts (gnomAD); In silico analysis supports that this missense variant has a deleterious effect on protein structure/function; Has not been previously published as pathogenic or benign to our knowledge